The following is an entry in ClinVar:

NM_001151.4(SLC25A4):c.139G>A (p.Ala47Thr)

Gene: SLC25A4 (solute carrier family 25 member 4; plus strand). Cytogenetic location: 4q35.1.
Variant type: single nucleotide variant.
Coding change: c.139G>A on transcript NM_001151.4 (MANE Select); coding-DNA position 139, G replaced by A.
Protein change: p.Ala47Thr; replaces alanine 47 with threonine.
Molecular consequence: missense variant.
Genome position (GRCh38, 1-based): chr4:185,144,791, G>A. VCF-style: chr4-185144791-G-A. GRCh37 (hg19) VCF-style: chr4-186065945-G-A.
Other names: short protein forms A47T.
Identifiers: ClinVar variation 4994434 (VCV004994434.1).

ClinVar aggregate classification (germline): Uncertain significance (1 of 4 stars; one submission).

Conditions:
SLC25A4-related disorder. Also called: SLC25A4-related condition.

Submission:

PreventionGenetics, part of Exact Sciences
Classification: Uncertain significance for SLC25A4-related condition. Last evaluated: 2026-05-05. Review status: criteria provided, single submitter. Criteria: ACMG Guidelines, 2015. Collection method: clinical testing. Allele origin: germline.
Comment: The SLC25A4 c.139G>A variant is predicted to result in the amino acid substitution p.Ala47Thr. To our knowledge, this variant has not been reported in the literature. This variant is reported in 0.0033% of alleles in individuals of South Asian descent in gnomAD. At this time, the clinical significance of this variant is uncertain due to the absence of conclusive functional and genetic evidence.